The following is an entry in ClinVar:

NM_000747.3(CHRNB1):c.670C>A (p.Pro224Thr)

Gene: CHRNB1 (cholinergic receptor nicotinic beta 1 subunit; plus strand). Cytogenetic location: 17p13.1.
Variant type: single nucleotide variant.
Coding change: c.670C>A on transcript NM_000747.3 (MANE Select); coding-DNA position 670, C replaced by A.
Protein change: p.Pro224Thr; replaces proline 224 with threonine.
Molecular consequence: missense variant.
Genome position (GRCh38, 1-based): chr17:7,448,638, C>A. VCF-style: chr17-7448638-C-A. GRCh37 (hg19) VCF-style: chr17-7351957-C-A.
Other names: short protein forms P224T.
Identifiers: ClinVar variation 1986134 (VCV001986134.4), dbSNP rs2507858512, ClinGen allele CA397794111.

ClinVar aggregate classification (germline): Uncertain significance (1 of 4 stars; one submission).

Conditions:
Congenital myasthenic syndrome 2A. Also called: Myasthenic syndrome, congenital, 2a, slow-channel. Identifiers: Orphanet 590, MedGen C4225374, MONDO:0014581, OMIM 616313.

Submission:

Labcorp Genetics (formerly Invitae), Labcorp
Classification: Uncertain significance for Congenital myasthenic syndrome 2A. Last evaluated: 2022-05-23. Review status: criteria provided, single submitter. Criteria: Invitae Variant Classification Sherloc (09022015). Collection method: clinical testing. Allele origin: germline.
Comment: This sequence change replaces proline, which is neutral and non-polar, with threonine, which is neutral and polar, at codon 224 of the CHRNB1 protein (p.Pro224Thr). In summary, the available evidence is currently insufficient to determine the role of this variant in disease. Therefore, it has been classified as a Variant of Uncertain Significance. Advanced modeling of protein sequence and biophysical properties (such as structural, functional, and spatial information, amino acid conservation, physicochemical variation, residue mobility, and thermodynamic stability) performed at Invitae indicates that this missense variant is not expected to disrupt CHRNB1 protein function. This variant has not been reported in the literature in individuals affected with CHRNB1-related conditions. This variant is not present in population databases (gnomAD no frequency).